The following is an entry in ClinVar:

ClinVar aggregate classification (germline): Uncertain significance. Review status: criteria provided, multiple submitters, no conflicts (2 of 4 stars). 2 submissions from 2 submitters: Uncertain significance (2). Last evaluated 2025-06-07.

Conditions:
Inborn genetic diseases. Identifiers: MedGen C0950123, MeSH D030342.

Allele frequency attached by ClinVar (database versions not stated): gnomAD exomes 0.00001; ExAC 0.00002.
gnomAD v4.1: 6 of 1,613,618 alleles (0.00037%); highest among the groups gnomAD compares: Non-Finnish European, 0.00042%; no homozygotes.

Submissions (2):

Ambry Genetics
Classification: Uncertain significance for Inborn genetic diseases. Last evaluated: 2025-06-07. Review status: criteria provided, single submitter. Criteria: Ambry Variant Classification Scheme 2023. Collection method: clinical testing. Allele origin: germline.

Labcorp Genetics (formerly Invitae), Labcorp
Classification: Uncertain significance. Last evaluated: 2023-11-29. Review status: criteria provided, single submitter. Criteria: Invitae Variant Classification Sherloc (09022015). Collection method: clinical testing. Allele origin: germline.
Comment: This sequence change replaces arginine, which is basic and polar, with cysteine, which is neutral and slightly polar, at codon 791 of the FOCAD protein (p.Arg791Cys). This variant is present in population databases (rs748492866, gnomAD 0.003%). This variant has not been reported in the literature in individuals affected with FOCAD-related conditions. Experimental studies and prediction algorithms are not available or were not evaluated, and the functional significance of this variant is currently unknown. In summary, the available evidence is currently insufficient to determine the role of this variant in disease. Therefore, it has been classified as a Variant of Uncertain Significance.

NM_001375567.1(FOCAD):c.2371C>T (p.Arg791Cys)

Gene: FOCAD (focadhesin; plus strand). Cytogenetic location: 9p21.3.
Variant type: single nucleotide variant.
Coding change: c.2371C>T on transcript NM_001375567.1 (MANE Select); coding-DNA position 2371, C replaced by T.
Protein change: p.Arg791Cys; replaces arginine 791 with cysteine.
Molecular consequence: missense variant.
Genome position (GRCh38, 1-based): chr9:20,881,924, C>T. VCF-style: chr9-20881924-C-T. GRCh37 (hg19) VCF-style: chr9-20881923-C-T.
Other names: c.2371C>T (NM_017794.3); c.2266C>T, p.Arg756Cys (NM_001375568.1, NM_001375570.1); c.2371C>T, p.Arg791Cys (NM_017794.5); short protein forms R791C, R756C.
Identifiers: ClinVar variation 2778791 (VCV002778791.4), dbSNP rs748492866, ClinGen allele CA5007110.